The following is an entry in ClinVar:

NM_032888.4(COL27A1):c.3656G>T (p.Gly1219Val)

Gene: COL27A1 (collagen type XXVII alpha 1 chain; plus strand). Cytogenetic location: 9q32.
Variant type: single nucleotide variant.
Coding change: c.3656G>T on transcript NM_032888.4 (MANE Select); coding-DNA position 3656, G replaced by T.
Protein change: p.Gly1219Val; replaces glycine 1219 with valine.
Molecular consequence: missense variant.
Genome position (GRCh38, 1-based): chr9:114,275,707, G>T. VCF-style: chr9-114275707-G-T. GRCh37 (hg19) VCF-style: chr9-117037987-G-T.
Other names: short protein forms G1219V.
Identifiers: ClinVar variation 3907553 (VCV003907553.1).
Genomic context (GRCh38, chr9:114,275,707, plus strand): 5'-GCCCTGCCACCCAGGGGGACAGGGGAGACCCAGGGCCTGATGGAGAACATGGCGAGAAAG[G>T]CCAGGAAGGGCTGATGGGTGAGGACGGGCCCCCCGGCCCCCCTGGCGTCACTGGTGTCCG-3'
Protein context (NP_116277.2, residues 1209-1229): PGPDGEHGEK[Gly1219Val]QEGLMGEDGP

ClinVar aggregate classification (germline): Uncertain significance (1 of 4 stars; one submission).

Submission:

Women's Health and Genetics/Laboratory Corporation of America, LabCorp
Classification: Uncertain significance. Last evaluated: 2025-06-24. Review status: criteria provided, single submitter. Criteria: LabCorp Variant Classification Summary - May 2015. Collection method: clinical testing. Allele origin: germline.
Comment: Variant summary: COL27A1 c.3656G>T (p.Gly1219Val) results in a non-conservative amino acid change in the encoded protein sequence. Algorithms developed to predict the effect of missense changes on protein structure and function all suggest that this variant is likely to be disruptive. The variant was absent in 154660 control chromosomes (gnomAD). The available data on variant occurrences in the general population are insufficient to allow any conclusion about variant significance. To our knowledge, no occurrence of c.3656G>T in individuals affected with Steel syndrome and no experimental evidence demonstrating its impact on protein function have been reported. No submitters have cited clinical-significance assessments for this variant to ClinVar. Based on the evidence outlined above, the variant was classified as uncertain significance.